The following is an entry in ClinVar:

NM_016507.4(CDK12):c.376A>G (p.Lys126Glu)

Genes: CDK12 (cyclin dependent kinase 12; plus strand), LOC126862553 (CDK7 strongly-dependent group 2 enhancer GRCh37_chr17:37618166-37619365; plus strand). Cytogenetic location: 17q12.
Variant type: single nucleotide variant.
Coding change: c.376A>G on transcript NM_016507.4 (MANE Select); coding-DNA position 376, A replaced by G.
Protein change: p.Lys126Glu; replaces lysine 126 with glutamic acid.
Molecular consequence: missense variant.
Genome position (GRCh38, 1-based): chr17:39,462,447, A>G. VCF-style: chr17-39462447-A-G. GRCh37 (hg19) VCF-style: chr17-37618700-A-G.
Other names: c.376A>G, p.Lys126Glu (NM_015083.4); short protein forms K126E.
Identifiers: ClinVar variation 4224316 (VCV004224316.1).

ClinVar aggregate classification (germline): Uncertain significance (1 of 4 stars; one submission).

Submission:

Ambry Genetics
Classification: Uncertain significance. Last evaluated: 2025-07-28. Review status: criteria provided, single submitter. Criteria: Ambry Variant Classification Scheme 2023. Collection method: clinical testing. Allele origin: germline.
Comment: The p.K126E variant (also known as c.376A>G), located in coding exon 1 of the CDK12 gene, results from an A to G substitution at nucleotide position 376. The lysine at codon 126 is replaced by glutamic acid, an amino acid with similar properties. This amino acid position is conserved. In addition, this alteration is predicted to be tolerated by in silico analysis. Based on the available evidence, the clinical significance of this variant remains unclear.